The following is an entry in ClinVar:

NM_000124.4(ERCC6):c.3677_3678del (p.Val1226fs)

Gene: ERCC6 (ERCC excision repair 6, chromatin remodeling factor; minus strand). Cytogenetic location: 10q11.23.
Variant type: Deletion.
Coding change: c.3677_3678del on transcript NM_000124.4 (MANE Select); coding-DNA positions 3677 to 3678, 2 bases deleted (TG; older notation c.3677_3678delTG).
Protein change: p.Val1226fs; shifts the reading frame from valine 1226.
Molecular consequence: frameshift variant.
Genome position (GRCh38, 1-based): chr10:49,470,282-49,470,283, CA deleted on the plus strand (TG on the coding strand, the reverse complement: ERCC6 is on the minus strand); deleting any 2 consecutive bases within chr10:49,470,282-49,470,284 gives the same sequence; the c. name uses the placement nearest the transcript's 3' end. VCF-style (leftmost placement, unchanged base first): chr10-49470281-TCA-T. GRCh37 (hg19) VCF-style: chr10-50678327-TCA-T.
Other names: c.3677_3678del, p.Val1226fs (NM_001346440.2); short protein forms V1226fs.
Identifiers: ClinVar variation 1726451 (VCV001726451.2), dbSNP rs2495970791, ClinGen allele CA2580081536.

ClinVar aggregate classification (germline): Likely pathogenic (1 of 4 stars; one submission).

Conditions:
Cockayne syndrome type 2 (CSB). Also called: COCKAYNE SYNDROME B; Cockayne Syndrome, Type II. Identifiers: Orphanet 191, Orphanet 90322, MedGen C0751038, MONDO:0019570, OMIM 133540.

Submission:

Myriad Genetics, Inc.
Classification: Likely pathogenic for Cockayne syndrome type 2. Last evaluated: 2021-12-17. Review status: criteria provided, single submitter. Criteria: Myriad Women's Health Autosomal Recessive and X-Linked Classification Criteria (2021). Collection method: clinical testing. Allele origin: unknown.
Comment: NM_000124.2(ERCC6):c.3677_3678delTG(V1226Efs*11) is expected to be pathogenic in the context of ERCC6-related disorders. This variant is predicted to lead to an abnormal or absent protein product due to the creation of a premature termination codon in ERCC6, a gene where loss-of-function variants are known to be pathogenic. Please note: this variant was assessed in the context of healthy population screening.